The following is an entry in ClinVar:

NM_002076.4(GNS):c.109G>C (p.Val37Leu)

Gene: GNS (glucosamine (N-acetyl)-6-sulfatase; minus strand). Cytogenetic location: 12q14.3.
Variant type: single nucleotide variant.
Coding change: c.109G>C on transcript NM_002076.4 (MANE Select); coding-DNA position 109, G replaced by C.
Protein change: p.Val37Leu; replaces valine 37 with leucine.
Molecular consequence: missense variant.
Genome position (GRCh38, 1-based): chr12:64,759,168, C>G on the plus strand (G>C on the coding strand, the complement: GNS is on the minus strand). VCF-style: chr12-64759168-C-G. GRCh37 (hg19) VCF-style: chr12-65152948-C-G.
Other names: short protein forms V37L.
Identifiers: ClinVar variation 2142309 (VCV002142309.3), dbSNP rs1318522809, ClinGen allele CA385613154.
Genomic context (GRCh38, chr12:64,759,168, plus strand): 5'-GGTCGTCCGTGAGGAGCAGCACCACGTTGGGCCTCCGGGTTCCCGCAGCCACCCCGAAGA[C>G]CCCCAGGCAGCCGCCCAGCACCAGCAGTAGCAGCGCTGGGCTGCAGGAGGGCAGGTGGCG-3'
Protein context (NP_002067.1, residues 27-47): LLLVLGGCLG[Val37Leu]FGVAAGTRRP

ClinVar aggregate classification (germline): Uncertain significance (1 of 4 stars; one submission).

Conditions:
Mucopolysaccharidosis, MPS-III-D (MPS3D). Also called: N-ACETYLGLUCOSAMINE-6-SULFATASE DEFICIENCY; SANFILIPPO SYNDROME D; MPS III D; Mucopoly-saccharidosis type 3D; N-acetylglucosamine-6-sulfate sulfatase deficiency; MPS 3D. Identifiers: Orphanet 581, Orphanet 79272, MedGen C0086650, MONDO:0009658, OMIM 252940.

Allele frequency attached by ClinVar (database versions not stated): gnomAD exomes below 0.00001.
gnomAD v4.1: 1 of 1,553,246 alleles (0.000064%); highest among the groups gnomAD compares: Admixed American, 0.002%; no homozygotes.

Submission:

Labcorp Genetics (formerly Invitae), Labcorp
Classification: Uncertain significance for Mucopolysaccharidosis, MPS-III-D. Last evaluated: 2022-10-17. Review status: criteria provided, single submitter. Criteria: Invitae Variant Classification Sherloc (09022015). Collection method: clinical testing. Allele origin: germline.
Comment: This sequence change replaces valine, which is neutral and non-polar, with leucine, which is neutral and non-polar, at codon 37 of the GNS protein (p.Val37Leu). This variant is not present in population databases (gnomAD no frequency). This variant has not been reported in the literature in individuals affected with GNS-related conditions. Algorithms developed to predict the effect of missense changes on protein structure and function output the following: SIFT: "Tolerated"; PolyPhen-2: "Benign"; Align-GVGD: "Class C0". The leucine amino acid residue is found in multiple mammalian species, which suggests that this missense change does not adversely affect protein function. In summary, the available evidence is currently insufficient to determine the role of this variant in disease. Therefore, it has been classified as a Variant of Uncertain Significance.